The following is an entry in ClinVar:

ClinVar aggregate classification (germline): Pathogenic. Review status: criteria provided, multiple submitters, no conflicts (2 of 4 stars). 4 submissions from 4 submitters: Pathogenic (4). Last evaluated 2025-12-22.

Conditions:
RASA1-related disorder. Also called: RASA1-related condition.
Capillary malformation-arteriovenous malformation syndrome. Also called: Capillary malformation-arteriovenous malformation. Identifiers: Orphanet 137667, MedGen C1842180, MONDO:0012016.
Capillary malformation-arteriovenous malformation 1 (CMAVM1). Identifiers: Orphanet 137667, Orphanet 693907, MedGen C4747394, MONDO:0020783, OMIM 608354.

Submissions (4):

GeneDx
Classification: Pathogenic. Last evaluated: 2025-12-22. Review status: criteria provided, single submitter. Criteria: GeneDx Variant Classification Process June 2021. Collection method: clinical testing. Allele origin: germline. Affected: yes.
Comment: Identified in patients with multiple capillary malformations referred for genetic testing at GeneDx and in published literature (PMID: 29891884); Frameshift variant predicted to result in protein truncation or nonsense mediated decay in a gene for which loss of function is a known mechanism of disease; Not observed at significant frequency in large population cohorts (gnomAD); This variant is associated with the following publications: (PMID: 33128510, 32900839, 30056992, 29891884)

Blueprint Genetics
Classification: Pathogenic for RASA1-related disorders. Last evaluated: 2023-03-20. Review status: criteria provided, single submitter. Criteria: ACMG Guidelines, 2015. Collection method: clinical testing. Allele origin: germline. Affected: yes. Observed: 3 variant alleles.

Labcorp Genetics (formerly Invitae), Labcorp
Classification: Pathogenic for Capillary malformation-arteriovenous malformation syndrome. Last evaluated: 2023-02-04. Review status: criteria provided, single submitter. Criteria: Invitae Variant Classification Sherloc (09022015). Collection method: clinical testing. Allele origin: germline.
Comment: This sequence change creates a premature translational stop signal (p.Val900Phefs*10) in the RASA1 gene. It is expected to result in an absent or disrupted protein product. Loss-of-function variants in RASA1 are known to be pathogenic (PMID: 24038909). This variant is not present in population databases (gnomAD no frequency). This premature translational stop signal has been observed in individual(s) with capillary malformation-arteriovenous malformation (PMID: 29891884). ClinVar contains an entry for this variant (Variation ID: 279880). For these reasons, this variant has been classified as Pathogenic.

Clinical Genetics Service, Universitary Hospital 12 de Octubre
Classification: Pathogenic for Capillary malformation-arteriovenous malformation 1. Review status: criteria provided, single submitter. Criteria: ACMG Guidelines, 2015. Collection method: clinical testing. Allele origin: paternal. Affected: yes.

Literature cited by the submitters: PubMed 24038909 (cited by Labcorp Genetics (formerly Invitae), Labcorp); PubMed 29891884 (cited by Labcorp Genetics (formerly Invitae), Labcorp).

NM_002890.3(RASA1):c.2698_2701del (p.Val900fs)

Genes: CCNH (cyclin H; minus strand), RASA1 (RAS p21 protein activator 1; plus strand). Cytogenetic location: 5q14.3.
Variant type: Deletion.
Coding change: c.2698_2701del on transcript NM_002890.3 (MANE Select); coding-DNA positions 2698 to 2701, 4 bases deleted (GTTT; older notation c.2698_2701delGTTT).
Protein change: p.Val900fs; shifts the reading frame from valine 900.
Molecular consequence: frameshift variant. On other transcripts: intron variant (1).
Genome position (GRCh38, 1-based): chr5:87,383,720-87,383,723, GTTT deleted; deleting any 4 consecutive bases within chr5:87,383,717-87,383,723 gives the same sequence; the c. name uses the placement nearest the transcript's 3' end. VCF-style (leftmost placement, unchanged base first): chr5-87383716-TTTTG-T. GRCh37 (hg19) VCF-style: chr5-86679533-TTTTG-T.
Other names: c.2698_2701del (NM_002890.2); c.2167_2170del, p.Val723fs (NM_022650.3); c.933+11324_933+11327del (NM_001364075.2); short protein forms V723fs, V900fs.
Identifiers: ClinVar variation 279880 (VCV000279880.16), dbSNP rs886041232, ClinGen allele CA10602968.
Genomic context (GRCh38, chr5:87,383,716, plus strand): 5'-AACACATTATATAGGTGTTTTCTAAAAAAAAAAAAAAAAAATTTCCCTCCCATTCAGTGG[TTTTG>T]TTTTTCTTCGACTCATCTGTCCTGCCATCCTGAATCCACGGATGTTCAATATCATCTCAG-3'